The following is an entry in ClinVar:

NM_000214.3(JAG1):c.2791dup (p.Thr931fs)

Gene: JAG1 (jagged canonical Notch ligand 1; minus strand). Cytogenetic location: 20p12.2.
Variant type: Duplication.
Coding change: c.2791dup on transcript NM_000214.3 (MANE Select); coding-DNA position 2791, one base duplicated (A; older notation c.2791dupA).
Protein change: p.Thr931fs; shifts the reading frame from threonine 931.
Molecular consequence: frameshift variant.
Genome position (GRCh38, 1-based): chr20:10,641,585, T duplicated on the plus strand (A on the coding strand, the reverse complement: JAG1 is on the minus strand). VCF-style (leftmost placement, unchanged base first): chr20-10641584-G-GT. GRCh37 (hg19) VCF-style: chr20-10622232-G-GT.
Other names: short protein forms T931fs.
Identifiers: ClinVar variation 4531743 (VCV004531743.1).

ClinVar aggregate classification (germline): Pathogenic (1 of 4 stars; one submission).

Conditions:
Alagille syndrome due to a JAG1 point mutation. Also called: HEPATIC DUCTULAR HYPOPLASIA, SYNDROMATIC; Alagille Syndrome 1; JAG1-Related Alagille Syndrome. Identifiers: Orphanet 261619, Orphanet 52, MedGen C1956125, MONDO:0016862, OMIM 118450.

Submission:

Victorian Clinical Genetics Services, Murdoch Childrens Research Institute
Classification: Pathogenic for Alagille syndrome due to a JAG1 point mutation. Last evaluated: 2025-07-29. Review status: criteria provided, single submitter. Criteria: ACMG Guidelines, 2015. Collection method: clinical testing. Allele origin: germline. Affected: yes.
Comment: This variant is classified as Pathogenic. Evidence in support of pathogenic classification: Variant is predicted to cause nonsense-mediated decay (NMD) and loss of protein (premature termination codon is located at least 54 nucleotides upstream of the final exon-exon junction); Variant is absent from gnomAD (v2, v3 and v4); This variant has limited previous evidence of pathogenicity in an unrelated individual(s). This variant has been reported in the literature in a heterozygous individual with Alagille syndrome (PMID: 22405927); Other NMD-predicted variant(s) comparable to the one identified in this case have very strong previous evidence for pathogenicity (DECIPHER). Additional information: This variant is heterozygous; This gene is associated with autosomal dominant disease; Loss of function is a known mechanism of disease in this gene and is associated with Alagille syndrome 1 (MIM#118450) and tetralogy of fallot (MIM#187500). The mechanism for Charcot-Marie-Tooth disease, axonal, type 2HH (MIM#619574) is not clearly established; however, loss of function is suggested (PMID: 32065591); Variants in this gene are known to have variable expressivity. Interfamilial and intrafamilial variability have been reported (PMID: 20301450); Inheritance information for this variant is not currently available in this individual.

Literature cited by the submitters: PubMed 20301450; PubMed 32065591; PubMed 22405927.